The following is an entry in ClinVar:

ClinVar aggregate classification (germline): Uncertain significance. Review status: criteria provided, multiple submitters, no conflicts (2 of 4 stars). 2 submissions from 2 submitters: Uncertain significance (2). Last evaluated 2024-05-29.

Conditions:
Immunodeficiency. Identifiers: MedGen C0021051, MONDO:0021094, HP:0002721.

Allele frequency attached by ClinVar (database versions not stated): gnomAD exomes below 0.00001; ExAC 0.00001.

Submissions (2):

Ambry Genetics
Classification: Uncertain significance. Last evaluated: 2024-05-29. Review status: criteria provided, single submitter. Criteria: Ambry Variant Classification Scheme 2023. Collection method: clinical testing. Allele origin: germline.

Labcorp Genetics (formerly Invitae), Labcorp
Classification: Uncertain significance for Immunodeficiency. Last evaluated: 2022-08-28. Review status: criteria provided, single submitter. Criteria: Invitae Variant Classification Sherloc (09022015). Collection method: clinical testing. Allele origin: germline.
Comment: In summary, the available evidence is currently insufficient to determine the role of this variant in disease. Therefore, it has been classified as a Variant of Uncertain Significance. Algorithms developed to predict the effect of missense changes on protein structure and function output the following: SIFT: "Tolerated"; PolyPhen-2: "Benign"; Align-GVGD: "Class C0". The isoleucine amino acid residue is found in multiple mammalian species, which suggests that this missense change does not adversely affect protein function. ClinVar contains an entry for this variant (Variation ID: 1435666). This variant has not been reported in the literature in individuals affected with NFAT5-related conditions. This variant is present in population databases (rs770795532, gnomAD 0.004%). This sequence change replaces methionine, which is neutral and non-polar, with isoleucine, which is neutral and non-polar, at codon 1071 of the NFAT5 protein (p.Met1071Ile).

NM_138713.4(NFAT5):c.3495G>A (p.Met1165Ile)

Gene: NFAT5 (nuclear factor of activated T cells 5; plus strand). Cytogenetic location: 16q22.1.
Variant type: single nucleotide variant.
Coding change: c.3495G>A on transcript NM_138713.4 (MANE Select); coding-DNA position 3495, G replaced by A.
Protein change: p.Met1165Ile; replaces methionine 1165 with isoleucine.
Molecular consequence: missense variant.
Genome position (GRCh38, 1-based): chr16:69,693,320, G>A. VCF-style: chr16-69693320-G-A. GRCh37 (hg19) VCF-style: chr16-69727223-G-A.
Other names: c.3492G>A, p.Met1164Ile (NM_001113178.3); c.2820G>A, p.Met940Ile (NM_001367709.1); c.3441G>A, p.Met1147Ile (NM_006599.4); c.3213G>A, p.Met1071Ile (NM_138714.4, NM_173214.3, NM_173215.3); c.3495G>A (NM_138713.3); short protein forms M940I, M1071I, M1164I, M1165I, M1147I.
Identifiers: ClinVar variation 1435666 (VCV001435666.7), dbSNP rs770795532, ClinGen allele CA8135916.